The following is an entry in ClinVar:

ClinVar aggregate classification (germline): Uncertain significance (1 of 4 stars; one submission).

Submission:

Labcorp Genetics (formerly Invitae), Labcorp
Classification: Uncertain significance. Last evaluated: 2024-06-24. Review status: criteria provided, single submitter. Criteria: Invitae Variant Classification Sherloc (09022015). Collection method: clinical testing. Allele origin: germline.
Comment: This sequence change replaces glycine, which is neutral and non-polar, with arginine, which is basic and polar, at codon 220 of the ETV6 protein (p.Gly220Arg). This variant is not present in population databases (gnomAD no frequency). This variant has not been reported in the literature in individuals affected with ETV6-related conditions. Advanced modeling of protein sequence and biophysical properties (such as structural, functional, and spatial information, amino acid conservation, physicochemical variation, residue mobility, and thermodynamic stability) performed at Invitae indicates that this missense variant is not expected to disrupt ETV6 protein function with a negative predictive value of 80%. In summary, the available evidence is currently insufficient to determine the role of this variant in disease. Therefore, it has been classified as a Variant of Uncertain Significance.

NM_001987.5(ETV6):c.658G>A (p.Gly220Arg)

Gene: ETV6 (ETS variant transcription factor 6; plus strand). Cytogenetic location: 12p13.2.
Variant type: single nucleotide variant.
Coding change: c.658G>A on transcript NM_001987.5 (MANE Select); coding-DNA position 658, G replaced by A.
Protein change: p.Gly220Arg; replaces glycine 220 with arginine.
Molecular consequence: missense variant.
Genome position (GRCh38, 1-based): chr12:11,869,618, G>A. VCF-style: chr12-11869618-G-A. GRCh37 (hg19) VCF-style: chr12-12022552-G-A.
Other names: c.655G>A, p.Gly219Arg (NM_001413913.1); c.631G>A, p.Gly211Arg (NM_001413914.1); c.394G>A, p.Gly132Arg (NM_001413915.1); c.658G>A, p.Gly220Arg (NM_001413916.1, NM_001413917.1); short protein forms G219R, G132R, G220R, G211R.
Identifiers: ClinVar variation 3692607 (VCV003692607.2).